The following is an entry in ClinVar:

ClinVar aggregate classification (germline): Pathogenic (1 of 4 stars; one submission).

Conditions:
Cerebral cavernous malformation (CCM). Also called: CAVERNOUS ANGIOMA, FAMILIAL; CAVERNOUS ANGIOMATOUS MALFORMATIONS; CEREBRAL CAPILLARY MALFORMATIONS; Cerebral cavernous hemangioma (type); Cavernous Hemangioma of Brain; Cerebral cavernous malformations. Identifiers: Orphanet 221061, MedGen C2919945, MONDO:0000820, OMIM 116860, HP:0033522.

Submission:

Labcorp Genetics (formerly Invitae), Labcorp
Classification: Pathogenic for Cerebral cavernous malformation. Last evaluated: 2019-10-23. Review status: criteria provided, single submitter. Criteria: Invitae Variant Classification Sherloc (09022015). Collection method: clinical testing. Allele origin: germline.
Comment: This variant is not present in population databases (ExAC no frequency). This sequence change results in a premature translational stop signal in the KRIT1 gene (p.Lys675Argfs*32). While this is not anticipated to result in nonsense mediated decay, it is expected to disrupt the last 62 amino acids of the KRIT1 protein. Algorithms developed to predict the effect of sequence changes on RNA splicing suggest that this variant may disrupt the consensus splice site, but this prediction has not been confirmed by published transcriptional studies. This variant disrupts the C-terminus of the KRIT1 protein. Other variant(s) that disrupt this region (p.Phe708*) have been determined to be pathogenic (Invitae). This suggests that variants that disrupt this region of the protein are likely to be causative of disease. For these reasons, this variant has been classified as Pathogenic.

NM_194454.3(KRIT1):c.2024del (p.Lys675fs)

Gene: KRIT1 (KRIT1 ankyrin repeat containing; minus strand). Cytogenetic location: 7q21.2.
Variant type: Deletion.
Coding change: c.2024del on transcript NM_194454.3 (MANE Select); coding-DNA position 2024, one base deleted (A; older notation c.2024delA).
Protein change: p.Lys675fs; shifts the reading frame from lysine 675.
Molecular consequence: frameshift variant.
Genome position (GRCh38, 1-based): chr7:92,213,196, T deleted on the plus strand (A on the coding strand, the reverse complement: KRIT1 is on the minus strand); the first of 2 consecutive T bases (chr7:92,213,196-92,213,197); deleting either gives the same sequence. VCF-style (leftmost placement, unchanged base first): chr7-92213195-CT-C. GRCh37 (hg19) VCF-style: chr7-91842509-CT-C.
Other names: c.1880del, p.Lys627fs (NM_001013406.2, NM_001350669.1, NM_001350670.1); c.2024del, p.Lys675fs (NM_001350677.1, NM_001350678.1, NM_001350679.1 and 26 more transcripts); c.1310del, p.Lys437fs (NM_001350671.1); short protein forms K437fs, K627fs, K675fs.
Identifiers: ClinVar variation 969557 (VCV000969557.8), dbSNP rs1793254982, ClinGen allele CA1139660129.